The following is an entry in ClinVar:

ClinVar aggregate classification (germline): Uncertain significance. Review status: criteria provided, multiple submitters, no conflicts (2 of 4 stars). 2 submissions from 2 submitters: Uncertain significance (2). Last evaluated 2024-06-09.

Conditions:
Inborn genetic diseases. Identifiers: MedGen C0950123, MeSH D030342.
Developmental and epileptic encephalopathy, 30 (DEE30). Also called: Epileptic encephalopathy, early infantile, 30. Identifiers: MedGen C4225360, MONDO:0014595, OMIM 616341.

Allele frequency attached by ClinVar (database versions not stated): gnomAD exomes 0.00001; ExAC 0.00013.

Submissions (2):

Labcorp Genetics (formerly Invitae), Labcorp
Classification: Uncertain significance for Developmental and epileptic encephalopathy, 30. Last evaluated: 2024-06-09. Review status: criteria provided, single submitter. Criteria: Invitae Variant Classification Sherloc (09022015). Collection method: clinical testing. Allele origin: germline.
Comment: This sequence change replaces proline, which is neutral and non-polar, with serine, which is neutral and polar, at codon 483 of the SIK1 protein (p.Pro483Ser). The frequency data for this variant in the population databases is considered unreliable, as metrics indicate poor data quality at this position in the gnomAD database. This variant has not been reported in the literature in individuals affected with SIK1-related conditions. ClinVar contains an entry for this variant (Variation ID: 1056531). Advanced modeling of protein sequence and biophysical properties (such as structural, functional, and spatial information, amino acid conservation, physicochemical variation, residue mobility, and thermodynamic stability) performed at Invitae indicates that this missense variant is not expected to disrupt SIK1 protein function with a negative predictive value of 95%. In summary, the available evidence is currently insufficient to determine the role of this variant in disease. Therefore, it has been classified as a Variant of Uncertain Significance.

Ambry Genetics
Classification: Uncertain significance for Inborn genetic diseases. Last evaluated: 2024-04-01. Review status: criteria provided, single submitter. Criteria: Ambry Variant Classification Scheme 2023. Collection method: clinical testing. Allele origin: germline.

NM_173354.5(SIK1):c.1447C>T (p.Pro483Ser)

Gene: SIK1 (salt inducible kinase 1; minus strand). Cytogenetic location: 21q22.3.
Variant type: single nucleotide variant.
Coding change: c.1447C>T on transcript NM_173354.5 (MANE Select); coding-DNA position 1447, C replaced by T.
Protein change: p.Pro483Ser; replaces proline 483 with serine.
Molecular consequence: missense variant.
Genome position (GRCh38, 1-based): chr21:43,419,036, G>A on the plus strand (C>T on the coding strand, the complement: SIK1 is on the minus strand). VCF-style: chr21-43419036-G-A. GRCh37 (hg19) VCF-style: chr21-44838916-G-A.
Other names: c.1447C>T (NM_173354.3); short protein forms P483S.
Identifiers: ClinVar variation 1056531 (VCV001056531.13), dbSNP rs781047363, ClinGen allele CA321325815.